The following is an entry in ClinVar:

ClinVar aggregate classification (germline): Uncertain significance (1 of 4 stars; one submission).

Submission:

Labcorp Genetics (formerly Invitae), Labcorp
Classification: Uncertain significance. Last evaluated: 2023-07-29. Review status: criteria provided, single submitter. Criteria: Invitae Variant Classification Sherloc (09022015). Collection method: clinical testing. Allele origin: germline.
Comment: This sequence change replaces glutamic acid, which is acidic and polar, with alanine, which is neutral and non-polar, at codon 674 of the POLE protein (p.Glu674Ala). This variant is not present in population databases (gnomAD no frequency). In summary, the available evidence is currently insufficient to determine the role of this variant in disease. Therefore, it has been classified as a Variant of Uncertain Significance. Advanced modeling of protein sequence and biophysical properties (such as structural, functional, and spatial information, amino acid conservation, physicochemical variation, residue mobility, and thermodynamic stability) performed at Invitae indicates that this missense variant is expected to disrupt POLE protein function. This variant has not been reported in the literature in individuals affected with POLE-related conditions.

NM_006231.4(POLE):c.2021A>C (p.Glu674Ala)

Gene: POLE (DNA polymerase epsilon, catalytic subunit; minus strand). Cytogenetic location: 12q24.33.
Variant type: single nucleotide variant.
Coding change: c.2021A>C on transcript NM_006231.4 (MANE Select); coding-DNA position 2021, A replaced by C.
Protein change: p.Glu674Ala; replaces glutamic acid 674 with alanine.
Molecular consequence: missense variant.
Genome position (GRCh38, 1-based): chr12:132,668,640, T>G on the plus strand (A>C on the coding strand, the complement: POLE is on the minus strand). VCF-style: chr12-132668640-T-G. GRCh37 (hg19) VCF-style: chr12-133245226-T-G.
Other names: short protein forms E674A.
Identifiers: ClinVar variation 2982313 (VCV002982313.1), dbSNP rs1270807618, ClinGen allele CA387354656.
Genomic context (GRCh38, chr12:132,668,640, plus strand): 5'-CGACACTCACCCACCCGTTTCCCACCGAGTGCCCACCCAGGCGGCCGACACTCACTGAAC[T>G]CGCCCCTCCACTGCCAGGCCATCTTCCGCTGGCAGTTTGCTCCAGGCTTATTGAAGTCAC-3'
Protein context (NP_006222.2, residues 664-684): QRKMAWQWRG[Glu674Ala]FMPASRSEYH